The following is an entry in ClinVar:

NM_003477.3(PDHX):c.199A>G (p.Thr67Ala)

Gene: PDHX (pyruvate dehydrogenase complex component X; plus strand). Cytogenetic location: 11p13.
Variant type: single nucleotide variant.
Coding change: c.199A>G on transcript NM_003477.3 (MANE Select); coding-DNA position 199, A replaced by G.
Protein change: p.Thr67Ala; replaces threonine 67 with alanine.
Molecular consequence: missense variant.
Genome position (GRCh38, 1-based): chr11:34,931,442, A>G. VCF-style: chr11-34931442-A-G. GRCh37 (hg19) VCF-style: chr11-34952989-A-G.
Other names: p.Thr67Ala; c.19A>G, p.Thr7Ala (NM_001135024.2); c.199A>G, p.Thr67Ala (NM_001166158.2); short protein forms T67A, T7A.
Identifiers: ClinVar variation 2683144 (VCV002683144.1), dbSNP rs1309556898, ClinGen allele CA380126653.

ClinVar aggregate classification (germline): Uncertain significance (1 of 4 stars; one submission).

Allele frequency attached by ClinVar (database versions not stated): TOPMed below 0.00001; gnomAD 0.00001; gnomAD exomes 0.00001.
gnomAD v4.1: 9 of 1,607,940 alleles (0.00056%); highest among the groups gnomAD compares: South Asian, 0.0022%; no homozygotes.

Submission:

Mayo Clinic Laboratories, Mayo Clinic
Classification: Uncertain significance. Last evaluated: 2023-05-24. Review status: criteria provided, single submitter. Criteria: ACMG Guidelines, 2015. Collection method: clinical testing. Allele origin: germline. Observed: 1 variant allele.
Comment: PM2